The following is an entry in ClinVar:

ClinVar aggregate classification (germline): Benign/Likely benign. Review status: criteria provided, multiple submitters, no conflicts (2 of 4 stars). 5 submissions from 5 submitters: Benign (3); Likely benign (1). 1 of the submissions does not count toward it. Last evaluated 2026-01-28.

Conditions:
Hereditary hemochromatosis (HFE). Identifiers: MedGen C0392514, MONDO:0006507. Disease mechanism: loss of function.
Hemochromatosis type 3 (HFE3). Also called: HEMOCHROMATOSIS DUE TO DEFECT IN TRANSFERRIN RECEPTOR 2; TFR2-Related Hemochromatosis; Hereditary hemochromatosis type 3. Identifiers: Orphanet 225123, MedGen C1858664, MONDO:0011417, OMIM 604250.

Allele frequency attached by ClinVar (database versions not stated): gnomAD exomes 0.00056 and 0.00147; ExAC 0.00187; gnomAD 0.00616 and 0.00652; ESP Exome Variant Server 0.00630; TOPMed 0.00644; 1000 Genomes Project 0.00739; 1000 Genomes Project 30x 0.00765.
gnomAD v4.1: 1,764 of 1,602,130 alleles (0.11%); highest among the groups gnomAD compares: African/African-American, 2.1%; 14 homozygotes.

Submissions (8):

Labcorp Genetics (formerly Invitae), Labcorp
Classification: Benign for Hereditary hemochromatosis. Last evaluated: 2026-01-28. Review status: criteria provided, single submitter. Criteria: Invitae Variant Classification Sherloc (09022015). Collection method: clinical testing. Allele origin: germline.

Blueprint Genetics
Classification: Likely benign. Last evaluated: 2024-11-06. Review status: criteria provided, single submitter. Criteria: ACMG Guidelines, 2015. Collection method: clinical testing. Allele origin: germline.

Illumina Laboratory Services, Illumina
Classification: Benign for Hemochromatosis type 3. Last evaluated: 2018-01-12. Review status: criteria provided, single submitter. Criteria: ICSL Variant Classification Criteria 13 December 2019. Collection method: clinical testing. Allele origin: germline.
Comment: This variant was observed in the ICSL laboratory as part of a predisposition screen in an ostensibly healthy population. It had not been previously curated by ICSL or reported in the Human Gene Mutation Database (HGMD: prior to June 1st, 2018), and was therefore a candidate for classification through an automated scoring system. Utilizing variant allele frequency, disease prevalence and penetrance estimates, and inheritance mode, an automated score was calculated to assess if this variant is too frequent to cause the disease. Based on the score and internal cut-off values, a variant classified as benign is not then subjected to further curation. The score for this variant resulted in a classification of benign for this disease.

PreventionGenetics, part of Exact Sciences
Classification: Benign. Review status: criteria provided, single submitter. Criteria: ACMG Guidelines, 2015. Collection method: clinical testing. Allele origin: germline.

Natera, Inc.
Classification: Benign for Hereditary hemochromatosis type 3. Last evaluated: 2020-09-16. Review status: no assertion criteria provided. Collection method: clinical testing. Allele origin: germline. Not counted in ClinVar's aggregate classification.

Dr. Peter K. Rogan Lab, Western University
No classification provided (evidence only). Condition: Cervical cancer. Review status: no classification provided. Collection method: in vitro. Allele origin: not applicable. Functional consequence: retained intron. Not counted in ClinVar's aggregate classification.

Dr. Peter K. Rogan Lab, Western University
No classification provided (evidence only). Condition: Sarcoma. Review status: no classification provided. Collection method: in vitro. Allele origin: not applicable. Functional consequence: retained intron. Not counted in ClinVar's aggregate classification.

Dr. Peter K. Rogan Lab, Western University
No classification provided (evidence only). Condition: Hepatocellular carcinoma. Review status: no classification provided. Collection method: in vitro. Allele origin: not applicable. Functional consequence: retained intron. Not counted in ClinVar's aggregate classification.

NM_003227.4(TFR2):c.1449C>T (p.Ser483=)

Gene: TFR2 (transferrin receptor 2; minus strand). Cytogenetic location: 7q22.1.
Variant type: single nucleotide variant.
Coding change: c.1449C>T on transcript NM_003227.4 (MANE Select); coding-DNA position 1449, C replaced by T.
Protein change: p.Ser483=; no amino-acid change (serine 483 retained).
Molecular consequence: synonymous variant.
Genome position (GRCh38, 1-based): chr7:100,628,248, G>A on the plus strand (C>T on the coding strand, the complement: TFR2 is on the minus strand). VCF-style: chr7-100628248-G-A. GRCh37 (hg19) VCF-style: chr7-100225871-G-A.
Other names: c.936C>T, p.Ser312= (NM_001206855.3).
Identifiers: ClinVar variation 258986 (VCV000258986.20), dbSNP rs41295899, ClinGen allele CA4386444.